The following is an entry in ClinVar:

NM_033004.4(NLRP1):c.2290G>A (p.Val764Met)

Gene: NLRP1 (NLR family pyrin domain containing 1; minus strand). Cytogenetic location: 17p13.2.
Variant type: single nucleotide variant.
Coding change: c.2290G>A on transcript NM_033004.4 (MANE Select); coding-DNA position 2290, G replaced by A.
Protein change: p.Val764Met; replaces valine 764 with methionine.
Molecular consequence: missense variant.
Genome position (GRCh38, 1-based): chr17:5,558,406, C>T on the plus strand (G>A on the coding strand, the complement: NLRP1 is on the minus strand). VCF-style: chr17-5558406-C-T. GRCh37 (hg19) VCF-style: chr17-5461726-C-T.
Other names: c.2290G>A, p.Val764Met (NM_001033053.3, NM_014922.5, NM_033006.4 and 1 more transcripts); short protein forms V764M.
Identifiers: ClinVar variation 1318419 (VCV001318419.9), dbSNP rs140677797, ClinGen allele CA8327217.
Genomic context (GRCh38, chr17:5,558,406, plus strand): 5'-CCATGGTGGGGCTCCATGTTGATCTGTGCTGCCTGCCCTCAATCAGCTGAAGCTTCTTCA[C>T]GTGGCGGCTGAATTTAATGCAGAAAGTGCACACTAAGAGCTCCATGTCTGTTTCTACACA-3'
Protein context (NP_127497.1, residues 754-774): CTFCIKFSRH[Val764Met]KKLQLIEGRQ

ClinVar aggregate classification (germline): Uncertain significance. Review status: criteria provided, multiple submitters, no conflicts (2 of 4 stars). 4 submissions from 4 submitters: Uncertain significance (4). Last evaluated 2025-03-31.

Conditions:
Autoinflammation with arthritis and dyskeratosis (AIADK). Identifiers: MedGen C4479278, MONDO:0060457, OMIM 617388.
NLRP1-related disorder. Also called: NLRP1-related condition.

Allele frequency attached by ClinVar (database versions not stated): ESP Exome Variant Server 0.00015; 1000 Genomes Project 30x 0.00016; 1000 Genomes Project 0.00020.
gnomAD v4.1: 111 of 1,614,082 alleles (0.0069%); highest among the groups gnomAD compares: African/African-American, 0.023%; no homozygotes.

Submissions (4):

Labcorp Genetics (formerly Invitae), Labcorp
Classification: Uncertain significance. Last evaluated: 2025-03-31. Review status: criteria provided, single submitter. Criteria: Invitae Variant Classification Sherloc (09022015). Collection method: clinical testing. Allele origin: germline.
Comment: This sequence change replaces valine, which is neutral and non-polar, with methionine, which is neutral and non-polar, at codon 764 of the NLRP1 protein (p.Val764Met). This variant is present in population databases (rs140677797, gnomAD 0.03%). This variant has not been reported in the literature in individuals affected with NLRP1-related conditions. ClinVar contains an entry for this variant (Variation ID: 1318419). An algorithm developed to predict the effect of missense changes on protein structure and function outputs the following: PolyPhen-2: "Possibly Damaging". The methionine amino acid residue is found in multiple mammalian species, which suggests that this missense change does not adversely affect protein function. In summary, the available evidence is currently insufficient to determine the role of this variant in disease. Therefore, it has been classified as a Variant of Uncertain Significance.

Neuberg Centre For Genomic Medicine, NCGM
Classification: Uncertain significance for Autoinflammation with arthritis and dyskeratosis. Last evaluated: 2023-05-20. Review status: criteria provided, single submitter. Criteria: ACMG Guidelines, 2015. Collection method: clinical testing. Allele origin: germline. Inheritance: Autosomal dominant inheritance. Affected: yes.
Comment: The observed missense c.2290G>A(p.Val764Met) variant in NLRP1 gene has not been reported previously as a pathogenic variant nor as a benign variant, to our knowledge. This variant is present with an allele frequency of 0.007% in gnomAD Exomes database. This variant has been submitted to the ClinVar database as Uncertain significance. Computational evidence (Polyphen - probably damaging , SIFT - Tolerated and MutationTaster -polymorphism) predicts conflicting evidence on protein structure and function for this variant. The reference amino acid is predicted as conserved by GERP++. The amino acid Val at position 764 is changed to a Met changing protein sequence and it might alter its composition and physico-chemical properties. For these reasons, this variant has been classified as Uncertain Significance (VUS).

PreventionGenetics, part of Exact Sciences
Classification: Uncertain significance for NLRP1-related condition. Last evaluated: 2022-10-12. Review status: criteria provided, single submitter. Criteria: ACMG Guidelines, 2015. Collection method: clinical testing. Allele origin: germline.
Comment: The NLRP1 c.2290G>A variant is predicted to result in the amino acid substitution p.Val764Met. To our knowledge, this variant has not been reported in the literature. This variant is reported in 0.028% of alleles in individuals of African descent in gnomAD. At this time, the clinical significance of this variant is uncertain due to the absence of conclusive functional and genetic evidence.

GeneDx
Classification: Uncertain significance. Last evaluated: 2021-02-18. Review status: criteria provided, single submitter. Criteria: GeneDx Variant Classification Process June 2021. Collection method: clinical testing. Allele origin: germline. Affected: yes.
Comment: In silico analysis supports that this missense variant does not alter protein structure/function; Has not been previously published as pathogenic or benign to our knowledge